The following is an entry in ClinVar:

NM_006231.4(POLE):c.4582G>T (p.Ala1528Ser)

Gene: POLE (DNA polymerase epsilon, catalytic subunit; minus strand). Cytogenetic location: 12q24.33.
Variant type: single nucleotide variant.
Coding change: c.4582G>T on transcript NM_006231.4 (MANE Select); coding-DNA position 4582, G replaced by T.
Protein change: p.Ala1528Ser; replaces alanine 1528 with serine.
Molecular consequence: missense variant.
Genome position (GRCh38, 1-based): chr12:132,642,966, C>A on the plus strand (G>T on the coding strand, the complement: POLE is on the minus strand). VCF-style: chr12-132642966-C-A. GRCh37 (hg19) VCF-style: chr12-133219552-C-A.
Other names: c.4582G>T (NM_006231.2); short protein forms A1528S.
Identifiers: ClinVar variation 578683 (VCV000578683.45), dbSNP rs373468985, ClinGen allele CA387379271.
Genomic context (GRCh38, chr12:132,642,966, plus strand): 5'-GTGGCAGGAGCTCAGGGCCCACCTTCTCCAGGAGGAGGCCGTGCTCTGCTGAGTACAGGG[C>A]GCCAAGGCTGGGCATCTGGTTGCTGCGCACCTAGACCAACGCAGGCCACGTCAGCCTCCC-3'
Protein context (NP_006222.2, residues 1518-1538): VRSNQMPSLG[Ala1528Ser]LYSAEHGLLL

ClinVar aggregate classification (germline): Uncertain significance. Review status: criteria provided, multiple submitters, no conflicts (2 of 4 stars). 5 submissions from 5 submitters: Uncertain significance (5). Last evaluated 2025-06-22.

Conditions:
Hereditary cancer-predisposing syndrome. Also called: Tumor predisposition; Hereditary Cancer Syndrome; Hereditary neoplastic syndrome; Neoplastic Syndromes, Hereditary. Identifiers: Orphanet 140162, MedGen C0027672, MeSH D009386, MONDO:0015356.

gnomAD v4.1: 3 of 1,597,116 alleles (0.00019%); highest among the groups gnomAD compares: Non-Finnish European, 0.00026%; no homozygotes.

Submissions (5):

Labcorp Genetics (formerly Invitae), Labcorp
Classification: Uncertain significance. Last evaluated: 2025-06-22. Review status: criteria provided, single submitter. Criteria: Invitae Variant Classification Sherloc (09022015). Collection method: clinical testing. Allele origin: germline.
Comment: This sequence change replaces alanine, which is neutral and non-polar, with serine, which is neutral and polar, at codon 1528 of the POLE protein (p.Ala1528Ser). This variant is present in population databases (no rsID available, gnomAD 0.002%). This variant has not been reported in the literature in individuals affected with POLE-related conditions. ClinVar contains an entry for this variant (Variation ID: 578683). Invitae Evidence Modeling of protein sequence and biophysical properties (such as structural, functional, and spatial information, amino acid conservation, physicochemical variation, residue mobility, and thermodynamic stability) indicates that this missense variant is not expected to disrupt POLE protein function with a negative predictive value of 80%. RNA analysis performed to evaluate the impact of this missense change on mRNA splicing indicates it does not significantly alter splicing (internal data). In summary, the available evidence is currently insufficient to determine the role of this variant in disease. Therefore, it has been classified as a Variant of Uncertain Significance.

Ambry Genetics
Classification: Uncertain significance for Hereditary cancer-predisposing syndrome. Last evaluated: 2025-01-29. Review status: criteria provided, single submitter. Criteria: Ambry Variant Classification Scheme 2023. Collection method: clinical testing. Allele origin: germline.
Comment: The p.A1528S variant (also known as c.4582G>T), located in coding exon 36 of the POLE gene, results from a G to T substitution at nucleotide position 4582. The alanine at codon 1528 is replaced by serine, an amino acid with similar properties. This amino acid position is conserved. In addition, this alteration is predicted to be tolerated by in silico analysis. Based on the available evidence, the clinical significance of this variant remains unclear.

GeneDx
Classification: Uncertain significance. Last evaluated: 2024-05-16. Review status: criteria provided, single submitter. Criteria: GeneDx Variant Classification Process June 2021. Collection method: clinical testing. Allele origin: germline. Affected: yes.
Comment: In silico analysis suggests this variant may impact gene splicing. In the absence of RNA/functional studies, the actual effect of this sequence change is unknown; In silico analysis indicates that this missense variant does not alter protein structure/function; Has not been previously published as pathogenic or benign to our knowledge; Not observed at significant frequency in large population cohorts (gnomAD)

CeGaT Center for Human Genetics Tuebingen
Classification: Uncertain significance. Last evaluated: 2022-06-01. Review status: criteria provided, single submitter. Criteria: CeGaT Center For Human Genetics Tuebingen Variant Classification Criteria Version 2. Collection method: clinical testing. Allele origin: germline. Affected: yes. Observed: 1 variant allele.
Comment: POLE: PM2, BP4

Institute for Clinical Genetics, University Hospital TU Dresden, University Hospital TU Dresden
Classification: Uncertain significance. Last evaluated: 2021-11-03. Review status: criteria provided, single submitter. Criteria: ACMG Guidelines, 2015. Collection method: clinical testing. Allele origin: germline.